The following is an entry in ClinVar:

ClinVar aggregate classification (germline): Conflicting classifications of pathogenicity. Review status: criteria provided, conflicting classifications (1 of 4 stars). 9 submissions from 8 submitters: Uncertain significance (8); Benign (1). Last evaluated 2026-09-15.

Conditions:
MYBPC3-related disorder. Also called: MYBPC3-related disorders; MYBPC3-related condition; MYBPC3-related disease.
Cardiovascular phenotype. Identifiers: MedGen CN230736.
Left ventricular noncompaction 10 (LVNC10). Identifiers: Orphanet 154, Orphanet 54260, MedGen C3715165, MONDO:0014163, OMIM 615396.
Cardiomyopathy (CMYO). Also called: Cardiomyopathies. Identifiers: Orphanet 167848, MedGen C0878544, MONDO:0004994, HP:0001638. Inheritance: Various modes of inheritance.
Hypertrophic cardiomyopathy 4. Also called: Familial hypertrophic cardiomyopathy 4. Identifiers: MedGen C1861862, MONDO:0007268, OMIM 115197.
Hypertrophic cardiomyopathy. Also called: HYPERTROPHIC MYOCARDIOPATHY. Identifiers: Orphanet 217569, MedGen C0007194, MeSH D002312, MONDO:0005045, HP:0001639.

Allele frequency attached by ClinVar (database versions not stated): gnomAD 0.00001; TOPMed 0.00002; gnomAD exomes 0.00003 and 0.00005; ExAC 0.00009.
gnomAD v4.1: 49 of 1,609,644 alleles (0.003%); highest among the groups gnomAD compares: Non-Finnish European, 0.004%; no homozygotes.

Submissions (9):

PreventionGenetics, part of Exact Sciences
Classification: Uncertain significance for MYBPC3-related condition. Last evaluated: 2026-09-15. Review status: criteria provided, single submitter. Criteria: ACMG Guidelines, 2015. Collection method: clinical testing. Allele origin: germline.
Comment: The MYBPC3 c.2771C>T variant is predicted to result in the amino acid substitution p.Thr924Ile. This variant was reported in multiple cohorts of individuals with hypertrophic cardiomyopathy (Table S5, Viswanathan et al. 2017. PubMed ID: 29121657; Bonaventura et al. 2024. PubMed ID: 38757491; Table S21, Harper et al. 2021. PubMed ID: 33495597). This variant has also been reported in a control cohort (Kapplinger et al. 2014. PubMed ID: 24510615) and in 0.010% of alleles in individuals of European (Non-Finnish) descent in gnomAD. At this time, the clinical significance of this variant is uncertain due to the absence of conclusive functional and genetic evidence.

Color Diagnostics, LLC DBA Color Health
Classification: Uncertain significance for Cardiomyopathy. Last evaluated: 2025-02-24. Review status: criteria provided, single submitter. Criteria: ACMG Guidelines, 2015. Collection method: clinical testing. Allele origin: germline.
Comment: This missense variant replaces threonine with isoleucine at codon 924 of the MYBPC3 protein. Computational prediction suggests that this variant may not impact protein structure and function. To our knowledge, functional studies have not been reported for this variant. This variant has been reported in individuals affected with hypertrophic cardiomyopathy (PMID: 29121657, 33495597, 38757491). This variant has been identified in 13/276810 chromosomes in the general population by the Genome Aggregation Database (gnomAD). The available evidence is insufficient to determine the role of this variant in disease conclusively. Therefore, this variant is classified as a Variant of Uncertain Significance.

All of Us Research Program, National Institutes of Health
Classification: Uncertain significance for Hypertrophic cardiomyopathy. Last evaluated: 2024-07-20. Review status: criteria provided, single submitter. Criteria: ACMG Guidelines, 2015. Collection method: clinical testing. Allele origin: germline. Inheritance: Autosomal dominant inheritance. Observed: 9 variant alleles, 9 heterozygotes.
Comment: This missense variant replaces threonine with isoleucine at codon 924 of the MYBPC3 protein. Computational prediction suggests that this variant may not impact protein structure and function (internally defined REVEL score threshold <= 0.5, PMID: 27666373). To our knowledge, functional studies have not been reported for this variant. This variant has been reported in at least one individual affected with hypertrophic cardiomyopathy (PMID: 29121657, 33495597). This variant has been identified in 13/276810 chromosomes in the general population by the Genome Aggregation Database (gnomAD). The available evidence is insufficient to determine the role of this variant in disease conclusively. Therefore, this variant is classified as a Variant of Uncertain Significance.

This study involves interpretation of variants in research participants for the purpose of population health screening. Participant phenotype was not available at the time of variant classification. Additional details can be found in publication PMID: 35346344, PMCID: PMC8962531

Labcorp Genetics (formerly Invitae), Labcorp
Classification: Uncertain significance for Hypertrophic cardiomyopathy. Last evaluated: 2024-05-01. Review status: criteria provided, single submitter. Criteria: Invitae Variant Classification Sherloc (09022015). Collection method: clinical testing. Allele origin: germline.
Comment: This sequence change replaces threonine, which is neutral and polar, with isoleucine, which is neutral and non-polar, at codon 924 of the MYBPC3 protein (p.Thr924Ile). This variant is present in population databases (rs200406864, gnomAD 0.01%). This missense change has been observed in individual(s) with hypertrophic cardiomyopathy (PMID: 29121657). ClinVar contains an entry for this variant (Variation ID: 181129). Algorithms developed to predict the effect of missense changes on protein structure and function output the following: SIFT: "Not Available"; PolyPhen-2: "Benign"; Align-GVGD: "Not Available". The isoleucine amino acid residue is found in multiple mammalian species, which suggests that this missense change does not adversely affect protein function. In summary, the available evidence is currently insufficient to determine the role of this variant in disease. Therefore, it has been classified as a Variant of Uncertain Significance.

Ambry Genetics
Classification: Uncertain significance for Cardiovascular phenotype. Last evaluated: 2020-11-06. Review status: criteria provided, single submitter. Criteria: Ambry Variant Classification Scheme 2023. Collection method: clinical testing. Allele origin: germline.
Comment: The p.T924I variant (also known as c.2771C>T), located in coding exon 27 of the MYBPC3 gene, results from a C to T substitution at nucleotide position 2771. The threonine at codon 924 is replaced by isoleucine, an amino acid with similar properties. This variant was observed in one individual reported to have hypertrophic cardiomyopathy (HCM), as well as in one healthy control participant in an HCM study; however, clinical details were limited for both (Kapplinger JD et al. J Cardiovasc Transl Res, 2014 Apr;7:347-61; Viswanathan SK et al. PLoS One, 2017 Nov;12:e0187948). This alteration has also been reported as a secondary cardiac variant in an exome cohort (Ng D et al. Circ Cardiovasc Genet, 2013 Aug;6:337-46). This amino acid position is not well conserved in available vertebrate species, and isoleucine is the reference amino acid in other vertebrate species. In addition, this alteration is predicted to be tolerated by in silico analysis. Since supporting evidence is limited at this time, the clinical significance of this alteration remains unclear.

Illumina Laboratory Services, Illumina
Classification: Uncertain significance for Hypertrophic cardiomyopathy 4. Last evaluated: 2017-04-28. Review status: criteria provided, single submitter. Criteria: ICSL Variant Classification Criteria 13 December 2019. Collection method: clinical testing. Allele origin: germline.
Comment: This variant was observed as part of a predisposition screen in an ostensibly healthy population. A literature search was performed for the gene, cDNA change, and amino acid change (where applicable). Publications were found based on this search. However, the evidence from the literature, in combination with allele frequency data from public databases where available, was not sufficient to rule this variant in or out of causing disease. Therefore, this variant is classified as a variant of unknown significance.

Illumina Laboratory Services, Illumina
Classification: Benign for Left ventricular noncompaction 10. Last evaluated: 2017-04-28. Review status: criteria provided, single submitter. Criteria: ICSL Variant Classification Criteria 13 December 2019. Collection method: clinical testing. Allele origin: germline.
Comment: This variant was observed as part of a predisposition screen in an ostensibly healthy population. A literature search was performed for the gene, cDNA change, and amino acid change (where applicable). No publications were found based on this search. Allele frequency data from public databases was too high to be consistent with this variant causing disease. Therefore, this variant is classified as benign.

GeneDx
Classification: Uncertain significance. Last evaluated: 2016-02-17. Review status: criteria provided, single submitter. Criteria: GeneDx Variant Classification (06012015). Collection method: clinical testing. Allele origin: germline. Affected: yes.
Comment: The Thr924Ile variant in the MYBPC3 gene has not been reported previously as a disease-causing mutation or as a benign polymorphism, to our knowledge. While Thr924Ile results in a non-conservative amino acid substitution of a polar Threonine with a non-polar Isoleucine, the Thr924 position is not well conserved across species. In addition, no definitive disease-causing mutations in nearby codons have been reported in association with cardiomyopathy. Furthermore, in silico analysis provides conflicting predictions on affect of Thr924Ile on the protein structure/function. Nevertheless, the NHLBI ESP Exome Variant Server reports Thr924Ile was not observed in at least 4,900 individuals from Caucasian and African American backgrounds, indicating it is not a common benign polymorphism in these populations. In summary, with the clinical and molecular information available at this time, we cannot unequivocally determine if the Thr924Ile variant is a disease-causing mutation or a rare-benign polymorphism.

Biesecker Lab/Clinical Genomics Section, National Institutes of Health
Classification: Uncertain significance. Last evaluated: 2013-06-24. Review status: criteria provided, single submitter. Criteria: Ng et al. (Circ Cardiovasc Genet. 2013). Collection method: research. Allele origin: unknown. Observed: 1 variant allele. Study: ClinSeq.
Comment: The study set was not selected for affection status in relation to any cancer. Pathogenicity categories were based on literature curation. See Pubmed ID:23861362 for details.

Medical sequencing

Literature cited by the submitters: PubMed 29121657 (cited by 4 submitters); PubMed 33495597 (cited by Color Diagnostics, LLC DBA Color Health and All of Us Research Program, National Institutes of Health); PubMed 38757491 (cited by Color Diagnostics, LLC DBA Color Health); PubMed 23861362 (cited by Ambry Genetics); PubMed 24510615 (cited by Ambry Genetics); PubMed 14563344 (cited by Illumina Laboratory Services, Illumina).

NM_000256.3(MYBPC3):c.2771C>T (p.Thr924Ile)

Gene: MYBPC3 (myosin binding protein C3; minus strand). Cytogenetic location: 11p11.2.
Variant type: single nucleotide variant.
Coding change: c.2771C>T on transcript NM_000256.3 (MANE Select); coding-DNA position 2771, C replaced by T.
Protein change: p.Thr924Ile; replaces threonine 924 with isoleucine.
Molecular consequence: missense variant.
Genome position (GRCh38, 1-based): chr11:47,335,176, G>A on the plus strand (C>T on the coding strand, the complement: MYBPC3 is on the minus strand). VCF-style: chr11-47335176-G-A. GRCh37 (hg19) VCF-style: chr11-47356727-G-A.
Other names: p.T924I:ACA>ATA; c.2771C>T, p.Thr924Ile (LRG_386t1); short protein forms T924I.
Identifiers: ClinVar variation 181129 (VCV000181129.24), dbSNP rs200406864, ClinGen allele CA012957.